The following is an entry in ClinVar:

ClinVar aggregate classification (germline): Uncertain significance (1 of 4 stars; one submission).

Conditions:
Hyperphosphatasia with impaired intellectual development syndrome 2. Also called: Hyperphosphatasia with intellectual disability syndrome 2; GLYCOSYLPHOSPHATIDYLINOSITOL BIOSYNTHESIS DEFECT 6. Identifiers: Orphanet 247262, MedGen C3553637, MONDO:0013882, OMIM 614749.

Submission:

Labcorp Genetics (formerly Invitae), Labcorp
Classification: Uncertain significance for Hyperphosphatasia with impaired intellectual development syndrome 2. Last evaluated: 2022-09-07. Review status: criteria provided, single submitter. Criteria: Invitae Variant Classification Sherloc (09022015). Collection method: clinical testing. Allele origin: germline.
Comment: This variant has not been reported in the literature in individuals affected with PIGO-related conditions. This variant is present in population databases (rs767418527, gnomAD 0.003%). This sequence change replaces alanine, which is neutral and non-polar, with glycine, which is neutral and non-polar, at codon 452 of the PIGO protein (p.Ala452Gly). ClinVar contains an entry for this variant (Variation ID: 1497118). In summary, the available evidence is currently insufficient to determine the role of this variant in disease. Therefore, it has been classified as a Variant of Uncertain Significance. Algorithms developed to predict the effect of missense changes on protein structure and function (SIFT, PolyPhen-2, Align-GVGD) all suggest that this variant is likely to be tolerated.

NM_032634.4(PIGO):c.1355C>G (p.Ala452Gly)

Gene: PIGO (phosphatidylinositol glycan anchor biosynthesis class O; minus strand). Cytogenetic location: 9p13.3.
Variant type: single nucleotide variant.
Coding change: c.1355C>G on transcript NM_032634.4 (MANE Select); coding-DNA position 1355, C replaced by G.
Protein change: p.Ala452Gly; replaces alanine 452 with glycine.
Molecular consequence: missense variant. On other transcripts: intron variant (2).
Genome position (GRCh38, 1-based): chr9:35,092,532, G>C on the plus strand (C>G on the coding strand, the complement: PIGO is on the minus strand). VCF-style: chr9-35092532-G-C. GRCh37 (hg19) VCF-style: chr9-35092529-G-C.
Other names: c.1344+11C>G (NM_152850.4, NM_001201484.2); short protein forms A452G.
Identifiers: ClinVar variation 1497118 (VCV001497118.6), dbSNP rs767418527, ClinGen allele CA5040653.